The following is an entry in ClinVar:

ClinVar aggregate classification (germline): Benign/Likely benign. Review status: criteria provided, multiple submitters, no conflicts (2 of 4 stars). 3 submissions from 3 submitters: Benign (1); Likely benign (2). Last evaluated 2024-06-10.

Conditions:
Kabuki syndrome. Also called: NIIKAWA-KUROKI SYNDROME; Kabuki make-up syndrome. Identifiers: Orphanet 2322, MedGen C0796004, MONDO:0016512.

Allele frequency attached by ClinVar (database versions not stated): TOPMed below 0.00001; gnomAD exomes 0.00002; ExAC 0.00007.
gnomAD v4.1: 27 of 1,537,018 alleles (0.0018%); highest among the groups gnomAD compares: South Asian, 0.009%; 1 homozygote.

Submissions (3):

Blueprint Genetics
Classification: Likely benign. Last evaluated: 2024-06-10. Review status: criteria provided, single submitter. Criteria: ACMG Guidelines, 2015. Collection method: clinical testing. Allele origin: germline.

CeGaT Center for Human Genetics Tuebingen
Classification: Likely benign. Last evaluated: 2023-11-01. Review status: criteria provided, single submitter. Criteria: CeGaT Center For Human Genetics Tuebingen Variant Classification Criteria Version 2. Collection method: clinical testing. Allele origin: germline. Affected: yes. Observed: 1 variant allele.
Comment: KMT2D: BP4, BP7

Labcorp Genetics (formerly Invitae), Labcorp
Classification: Benign for Kabuki syndrome. Last evaluated: 2022-12-30. Review status: criteria provided, single submitter. Criteria: Invitae Variant Classification Sherloc (09022015). Collection method: clinical testing. Allele origin: germline.

NM_003482.4(KMT2D):c.6696C>T (p.Gly2232=)

Gene: KMT2D (lysine methyltransferase 2D; minus strand). Cytogenetic location: 12q13.12.
Variant type: single nucleotide variant.
Coding change: c.6696C>T on transcript NM_003482.4 (MANE Select); coding-DNA position 6696, C replaced by T.
Protein change: p.Gly2232=; no amino-acid change (glycine 2232 retained).
Molecular consequence: synonymous variant.
Genome position (GRCh38, 1-based): chr12:49,041,074, G>A on the plus strand (C>T on the coding strand, the complement: KMT2D is on the minus strand). VCF-style: chr12-49041074-G-A. GRCh37 (hg19) VCF-style: chr12-49434857-G-A.
Identifiers: ClinVar variation 2161729 (VCV002161729.28), dbSNP rs757461868, ClinGen allele CA6547194.
Genomic context (GRCh38, chr12:49,041,074, plus strand): 5'-CAGCGAGGGGCAGCGGGGTTTGAGGAATGGGTCAGGTGTGGAGGGCTGGTGTCTGGGGGT[G>A]CCAGGTGGGGTAGTGTGGAATTCCCCTGGCTGGCCAGCCCCAGGACGAGATGAGGCGCCC-3'
Protein context (NP_003473.3, residues 2222-2242): QPGEFHTTPP[Gly2232=]TPRHQPSTPD